The following is an entry in ClinVar:

ClinVar aggregate classification (germline): Uncertain significance (1 of 4 stars; one submission).

Allele frequency attached by ClinVar (database versions not stated): gnomAD exomes below 0.00001.
gnomAD v4.1: 2 of 1,597,366 alleles (0.00013%); highest among the groups gnomAD compares: Non-Finnish European, 0.000085%; no homozygotes.

Submission:

Labcorp Genetics (formerly Invitae), Labcorp
Classification: Uncertain significance. Last evaluated: 2023-01-19. Review status: criteria provided, single submitter. Criteria: Invitae Variant Classification Sherloc (09022015). Collection method: clinical testing. Allele origin: germline.
Comment: In summary, the available evidence is currently insufficient to determine the role of this variant in disease. Therefore, it has been classified as a Variant of Uncertain Significance. Advanced modeling of protein sequence and biophysical properties (such as structural, functional, and spatial information, amino acid conservation, physicochemical variation, residue mobility, and thermodynamic stability) performed at Invitae indicates that this missense variant is not expected to disrupt GDF5 protein function. This variant has not been reported in the literature in individuals affected with GDF5-related conditions. This variant is not present in population databases (gnomAD no frequency). This sequence change replaces serine, which is neutral and polar, with cysteine, which is neutral and slightly polar, at codon 289 of the GDF5 protein (p.Ser289Cys).

NM_000557.5(GDF5):c.866C>G (p.Ser289Cys)

Genes: GDF5 (growth differentiation factor 5; minus strand), GDF5-AS1 (GDF5 antisense RNA 1; plus strand). Cytogenetic location: 20q11.22.
Variant type: single nucleotide variant.
Coding change: c.866C>G on transcript NM_000557.5 (MANE Select); coding-DNA position 866, C replaced by G.
Protein change: p.Ser289Cys; replaces serine 289 with cysteine.
Molecular consequence: missense variant. On other transcripts: non-coding transcript variant (1).
Genome position (GRCh38, 1-based): chr20:35,434,549, G>C on the plus strand (C>G on the coding strand, the complement: GDF5 is on the minus strand). VCF-style: chr20-35434549-G-C. GRCh37 (hg19) VCF-style: chr20-34022347-G-C.
Other names: c.866C>G, p.Ser289Cys (NM_001319138.2); short protein forms S289C.
Identifiers: ClinVar variation 2976778 (VCV002976778.3), dbSNP rs2515420422, ClinGen allele CA408740887.
Genomic context (GRCh38, chr20:35,434,549, plus strand): 5'-AGCTGGGCCGAGTTCTTAAAGTTTCGGAAGAGCTTCCAGATGTCGAACACCTCCCAGCCA[G>C]ATCCGTCCAGGCCTGGCACGGAGCGCACATCCAGCAAGGCGGCCGGCTGCCGGCCGCTGG-3'
Protein context (NP_000548.2, residues 279-299): DVRSVPGLDG[Ser289Cys]GWEVFDIWKL